The following is an entry in ClinVar:

NM_000158.4(GBE1):c.146A>G (p.Tyr49Cys)

Gene: GBE1 (1,4-alpha-glucan branching enzyme 1; minus strand). Cytogenetic location: 3p12.2.
Variant type: single nucleotide variant.
Coding change: c.146A>G on transcript NM_000158.4 (MANE Select); coding-DNA position 146, A replaced by G.
Protein change: p.Tyr49Cys; replaces tyrosine 49 with cysteine.
Molecular consequence: missense variant.
Genome position (GRCh38, 1-based): chr3:81,705,611, T>C on the plus strand (A>G on the coding strand, the complement: GBE1 is on the minus strand). VCF-style: chr3-81705611-T-C. GRCh37 (hg19) VCF-style: chr3-81754762-T-C.
Other names: short protein forms Y49C.
Identifiers: ClinVar variation 2165097 (VCV002165097.1), dbSNP rs765887208, ClinGen allele CA2500046.
Genomic context (GRCh38, chr3:81,705,611, plus strand): 5'-AACTTATCAATACCACCTTCATTTTCTCCAATGTTCTTCAAAATTTGGCTAAACTGCTTA[T>C]ACCTTTGAAGAAGTATGAAAGAAAATGAGTTAGAAAATTAAATAGTCTTCTAGAAAAGCT-3'
Protein context (NP_000149.4, residues 39-59): KPYAVDFQRR[Tyr49Cys]KQFSQILKNI

ClinVar aggregate classification (germline): Uncertain significance (1 of 4 stars; one submission).

Conditions:
Glycogen storage disease IV, classic hepatic. Also called: GSD IV, CLASSIC HEPATIC. Identifiers: MedGen C1856301.
Glycogen storage disease, type IV (GSD4). Also called: BRANCHER DEFICIENCY; CIRRHOSIS, FAMILIAL, WITH DEPOSITION OF ABNORMAL GLYCOGEN; AMYLOPECTINOSIS; ANDERSEN DISEASE; Glycogen storage disease due to glycogen branching enzyme deficiency; GBE1 DEFICIENCY. Identifiers: Orphanet 367, MedGen C0017923, MONDO:0009292, OMIM 232500.

Allele frequency attached by ClinVar (database versions not stated): ExAC 0.00003.
gnomAD v4.1: 5 of 1,539,938 alleles (0.00032%); highest among the groups gnomAD compares: South Asian, 0.005%; no homozygotes.

Submission:

Labcorp Genetics (formerly Invitae), Labcorp
Classification: Uncertain significance for Glycogen storage disease, type IV; Glycogen storage disease IV, classic hepatic. Last evaluated: 2022-07-07. Review status: criteria provided, single submitter. Criteria: Invitae Variant Classification Sherloc (09022015). Collection method: clinical testing. Allele origin: germline.
Comment: This sequence change replaces tyrosine, which is neutral and polar, with cysteine, which is neutral and slightly polar, at codon 49 of the GBE1 protein (p.Tyr49Cys). This variant is present in population databases (rs765887208, gnomAD 0.005%). This variant has not been reported in the literature in individuals affected with GBE1-related conditions. Algorithms developed to predict the effect of missense changes on protein structure and function are either unavailable or do not agree on the potential impact of this missense change (SIFT: "Not Available"; PolyPhen-2: "Probably Damaging"; Align-GVGD: "Not Available"). In summary, the available evidence is currently insufficient to determine the role of this variant in disease. Therefore, it has been classified as a Variant of Uncertain Significance.